The following is an entry in ClinVar:

NM_003848.4(SUCLG2):c.521dup (p.Val175fs)

Gene: SUCLG2 (succinate-CoA ligase GDP-forming subunit beta; minus strand). Cytogenetic location: 3p14.1.
Variant type: Duplication.
Coding change: c.521dup on transcript NM_003848.4 (MANE Select); coding-DNA position 521, one base duplicated (G; older notation c.521dupG).
Protein change: p.Val175fs; shifts the reading frame from valine 175.
Molecular consequence: frameshift variant.
Genome position (GRCh38, 1-based): chr3:67,520,531, C duplicated on the plus strand (G on the coding strand, the reverse complement: SUCLG2 is on the minus strand); the first of 6 consecutive C bases (chr3:67,520,531-67,520,536); duplicating any one gives the same sequence. VCF-style (leftmost placement, unchanged base first): chr3-67520530-G-GC. GRCh37 (hg19) VCF-style: chr3-67570954-G-GC.
Other names: c.521dup, p.Val175fs (NM_001177599.2); short protein forms V175fs.
Identifiers: ClinVar variation 3674442 (VCV003674442.2).
Genomic context (GRCh38, chr3:67,520,530, plus strand): 5'-ATTTAAACATACCTTAAAAATGAGCTCCGGGTTTGAAGCAGCCACCTCTTCAATGTCGAC[G>GC]CCCCCCTGGGGGCTGCCCACCAGCACGGGGCCATTGCAGGACCGGTCCATCAGAATTGCC-3'

ClinVar aggregate classification (germline): Uncertain significance (1 of 4 stars; one submission).

Submission:

Labcorp Genetics (formerly Invitae), Labcorp
Classification: Uncertain significance. Last evaluated: 2025-02-20. Review status: criteria provided, single submitter. Criteria: Invitae Variant Classification Sherloc (09022015). Collection method: clinical testing. Allele origin: germline.
Comment: This sequence change creates a premature translational stop signal (p.Val175Argfs*4) in the SUCLG2 gene. It is expected to result in an absent or disrupted protein product. However, the current clinical and genetic evidence is not sufficient to establish whether loss-of-function variants in SUCLG2 cause disease. This variant is present in population databases (rs748808822, gnomAD 0.0009%). This variant has not been reported in the literature in individuals affected with SUCLG2-related conditions. In summary, the available evidence is currently insufficient to determine the role of this variant in disease. Therefore, it has been classified as a Variant of Uncertain Significance.